The following is an entry in ClinVar:

NM_000059.4(BRCA2):c.5135G>A (p.Gly1712Glu)

Gene: BRCA2 (BRCA2 DNA repair associated; plus strand). Cytogenetic location: 13q13.1.
Variant type: single nucleotide variant.
Coding change: c.5135G>A on transcript NM_000059.4 (MANE Select); coding-DNA position 5135, G replaced by A.
Protein change: p.Gly1712Glu; replaces glycine 1712 with glutamic acid.
Molecular consequence: missense variant.
Genome position (GRCh38, 1-based): chr13:32,339,490, G>A. VCF-style: chr13-32339490-G-A. GRCh37 (hg19) VCF-style: chr13-32913627-G-A.
Other names: short protein forms G1712E.
Identifiers: ClinVar variation 644751 (VCV000644751.11), dbSNP rs1453037467, ClinGen allele CA387784184.
Genomic context (GRCh38, chr13:32,339,490, plus strand): 5'-GGCTTAGAGAAGGAATATTTGATGGTCAACCAGAAAGAATAAATACTGCAGATTATGTAG[G>A]AAATTATTTGTATGAAAATAATTCAAACAGTACTATAGCTGAAAATGACAAAAATCATCT-3'
Protein context (NP_000050.3, residues 1702-1722): PERINTADYV[Gly1712Glu]NYLYENNSNS

ClinVar aggregate classification (germline): Conflicting classifications of pathogenicity. Review status: criteria provided, conflicting classifications (1 of 4 stars). 3 submissions from 3 submitters: Uncertain significance (1); Likely benign (2). Last evaluated 2025-05-29.

Conditions:
Hereditary breast ovarian cancer syndrome. Also called: Hereditary breast and ovarian cancer; Hereditary breast and ovarian cancer syndrome; BRCA1- and BRCA2-Associated Hereditary Breast and Ovarian Cancer; Hereditary breast and ovarian cancer syndrome (HBOC); Breast and ovarian cancer; Hereditary breast and/or ovarian cancer syndrome. Identifiers: Orphanet 145, MedGen C0677776, MeSH D061325, MONDO:0003582. Disease mechanism: loss of function.
Hereditary cancer-predisposing syndrome. Also called: Hereditary Cancer Syndrome; Tumor predisposition; Hereditary neoplastic syndrome; Neoplastic Syndromes, Hereditary. Identifiers: Orphanet 140162, MedGen C0027672, MeSH D009386, MONDO:0015356.

Allele frequency attached by ClinVar (database versions not stated): gnomAD exomes below 0.00001.
gnomAD v4.1: 1 of 1,582,588 alleles (0.000063%); highest among the groups gnomAD compares: Admixed American, 0.0019%; no homozygotes.

Submissions (3):

Ambry Genetics
Classification: Likely benign for Hereditary cancer-predisposing syndrome. Last evaluated: 2025-05-29. Review status: criteria provided, single submitter. Criteria: Ambry Variant Classification Scheme 2023. Collection method: clinical testing. Allele origin: germline.

Labcorp Genetics (formerly Invitae), Labcorp
Classification: Uncertain significance for Hereditary breast ovarian cancer syndrome. Last evaluated: 2024-04-30. Review status: criteria provided, single submitter. Criteria: Invitae Variant Classification Sherloc (09022015). Collection method: clinical testing. Allele origin: germline.
Comment: This sequence change replaces glycine, which is neutral and non-polar, with glutamic acid, which is acidic and polar, at codon 1712 of the BRCA2 protein (p.Gly1712Glu). The frequency data for this variant in the population databases is considered unreliable, as metrics indicate poor data quality at this position in the gnomAD database. This variant has not been reported in the literature in individuals affected with BRCA2-related conditions. ClinVar contains an entry for this variant (Variation ID: 644751). Advanced modeling of protein sequence and biophysical properties (such as structural, functional, and spatial information, amino acid conservation, physicochemical variation, residue mobility, and thermodynamic stability) performed at Invitae indicates that this missense variant is not expected to disrupt BRCA2 protein function with a negative predictive value of 95%. In summary, the available evidence is currently insufficient to determine the role of this variant in disease. Therefore, it has been classified as a Variant of Uncertain Significance.

University of Washington Department of Laboratory Medicine, University of Washington
Classification: Likely benign for Hereditary cancer-predisposing syndrome. Last evaluated: 2023-03-23. Review status: criteria provided, single submitter. Criteria: Dines et al. (Genet Med. 2020). Collection method: curation. Allele origin: germline.
Comment: Missense variant in a coldspot region where missense variants are very unlikely to be pathogenic (PMID:31911673).

BRCA2 exon 11 coldspot. Reclassification based on statistical prior probability.